The following is an entry in ClinVar:

ClinVar aggregate classification (germline): Uncertain significance. Review status: criteria provided, multiple submitters, no conflicts (2 of 4 stars). 3 submissions from 3 submitters: Uncertain significance (2). 1 of the submissions does not count toward it. Last evaluated 2025-12-28.

Conditions:
Long QT syndrome 6 (LQT6). Identifiers: Orphanet 101016, Orphanet 768, MedGen C3150953, MONDO:0013370, OMIM 613693.

Allele frequency attached by ClinVar (database versions not stated): gnomAD exomes below 0.00001.
gnomAD v4.1: 5 of 1,614,192 alleles (0.00031%); highest among the groups gnomAD compares: Non-Finnish European, 0.00042%; no homozygotes.

Submissions (3):

Labcorp Genetics (formerly Invitae), Labcorp
Classification: Uncertain significance for Long QT syndrome 6. Last evaluated: 2025-12-28. Review status: criteria provided, single submitter. Criteria: Invitae Variant Classification Sherloc (09022015). Collection method: clinical testing. Allele origin: germline.
Comment: This sequence change replaces alanine, which is neutral and non-polar, with valine, which is neutral and non-polar, at codon 66 of the KCNE2 protein (p.Ala66Val). This variant is not present in population databases (gnomAD no frequency). This variant has not been reported in the literature in individuals affected with KCNE2-related conditions. ClinVar contains an entry for this variant (Variation ID: 67613). An algorithm developed to predict the effect of missense changes on protein structure and function (PolyPhen-2) suggests that this variant is likely to be disruptive. In summary, the available evidence is currently insufficient to determine the role of this variant in disease. Therefore, it has been classified as a Variant of Uncertain Significance.

ARUP Laboratories, Molecular Genetics and Genomics, ARUP Laboratories
Classification: Uncertain significance. Last evaluated: 2020-02-16. Review status: criteria provided, single submitter. Criteria: ARUP Molecular Germline Variant Investigation Process. Collection method: clinical testing. Allele origin: germline.
Comment: The KCNE2 c.197C>T; p.Ala66Val variant (rs16991656) is reported in the literature in at least one individual affected with long QT syndrome (Ackerman 2003). This variant is reported in ClinVar (Variation ID: 67613), but is absent from general population databases (Exome Variant Server, Genome Aggregation Database), indicating it is not a common polymorphism. The alanine at codon 66 is highly conserved, and computational analyses (SIFT, PolyPhen-2) predict that this variant is deleterious. However, given the lack of clinical and functional data, the significance of the p.Ala66Val variant is uncertain at this time. References: Ackerman MJ et al. Ethnic differences in cardiac potassium channel variants: implications for genetic susceptibility to sudden cardiac death and genetic testing for congenital long QT syndrome. Mayo Clin Proc. 2003 Dec;78(12):1479-87.

Cardiovascular Biomedical Research Unit, Royal Brompton & Harefield NHS Foundation Trust
No classification provided. Review status: no classification provided. Collection method: literature only. Allele origin: germline. Not counted in ClinVar's aggregate classification.
Comment: This variant has been reported in the following publications (PMID:14661677).

Literature cited by the submitters: PubMed 14661677 (cited by Cardiovascular Biomedical Research Unit, Royal Brompton & Harefield NHS Foundation Trust); PubMed 22581653 (cited by Cardiovascular Biomedical Research Unit, Royal Brompton & Harefield NHS Foundation Trust).

NM_172201.2(KCNE2):c.197C>T (p.Ala66Val)

Genes: KCNE2 (potassium voltage-gated channel subfamily E regulatory subunit 2; plus strand), LOC105372791 (uncharacterized LOC105372791; minus strand). Cytogenetic location: 21q22.11.
Variant type: single nucleotide variant.
Coding change: c.197C>T on transcript NM_172201.2 (MANE Select); coding-DNA position 197, C replaced by T.
Protein change: p.Ala66Val; replaces alanine 66 with valine.
Molecular consequence: missense variant.
Genome position (GRCh38, 1-based): chr21:34,370,675, C>T. VCF-style: chr21-34370675-C-T. GRCh37 (hg19) VCF-style: chr21-35742974-C-T.
Other names: c.197C>T (LRG_291t1); short protein forms A66V.
Identifiers: ClinVar variation 67613 (VCV000067613.15), dbSNP rs16991656, ClinGen allele CA218807.